The following is an entry in ClinVar:

NM_000059.4(BRCA2):c.1910-74T>C

Gene: BRCA2 (BRCA2 DNA repair associated; plus strand). Cytogenetic location: 13q13.1.
Variant type: single nucleotide variant.
Coding change: c.1910-74T>C on transcript NM_000059.4 (MANE Select); 74 bases into the intron before coding-DNA position 1910, T replaced by C.
Molecular consequence: intron variant.
Genome position (GRCh38, 1-based): chr13:32,336,191, T>C. VCF-style: chr13-32336191-T-C. GRCh37 (hg19) VCF-style: chr13-32910328-T-C.
Other names: IVS 10-74T>C.
Identifiers: ClinVar variation 209687 (VCV000209687.8), dbSNP rs2320236, ClinGen allele CA276656.

ClinVar aggregate classification (germline): Benign. Review status: reviewed by expert panel (3 of 4 stars). 7 submissions from 7 submitters: Benign (1). 6 of the submissions do not count toward it. Last evaluated 2015-01-12.

Conditions:
Hereditary cancer-predisposing syndrome. Also called: Neoplastic Syndromes, Hereditary; Hereditary Cancer Syndrome; Tumor predisposition; Hereditary neoplastic syndrome. Identifiers: Orphanet 140162, MedGen C0027672, MeSH D009386, MONDO:0015356.
Breast-ovarian cancer, familial, susceptibility to, 2 (BROVCA2). Also called: BRCA2 Hereditary Breast and Ovarian Cancer. Identifiers: Orphanet 145, MedGen C2675520, MONDO:0012933, OMIM 612555. Disease mechanism: loss of function.

Allele frequency attached by ClinVar (database versions not stated): 1000 Genomes Project 0.17452; 1000 Genomes Project 30x 0.17473; gnomAD exomes 0.18825; gnomAD 0.19438 and 0.19842; TOPMed 0.19440.
gnomAD v4.1: 280,640 of 1,485,862 alleles (19%); highest among the groups gnomAD compares: Admixed American, 22%; 27,614 homozygotes.

Submissions (7):

Evidence-based Network for the Interpretation of Germline Mutant Alleles (ENIGMA)
Classification: Benign for Breast-ovarian cancer, familial 2. Last evaluated: 2015-01-12. Review status: reviewed by expert panel. Criteria: ENIGMA BRCA1/2 Classification Criteria (2015). Collection method: curation. Allele origin: germline.
Comment: Class 1 not pathogenic based on frequency >1% in an outbred sampleset. Frequency 0.07343 (Asian), 0.2703 (African), 0.2018 (European), derived from 1000 genomes (2012-04-30).

GeneKor MSA
Classification: Benign. Last evaluated: 2017-11-01. Review status: criteria provided, single submitter. Criteria: ACMG Guidelines, 2015. Collection method: clinical testing. Allele origin: germline. Affected: yes. Not counted in ClinVar's aggregate classification.

GeneDx
Classification: Benign. Last evaluated: 2015-03-03. Review status: criteria provided, single submitter. Criteria: GeneDx Variant Classification Process June 2021. Collection method: clinical testing. Allele origin: germline. Affected: yes. Not counted in ClinVar's aggregate classification.

Ambry Genetics
Classification: Benign for Hereditary cancer-predisposing syndrome. Last evaluated: 2014-11-19. Review status: criteria provided, single submitter. Criteria: Ambry Variant Classification Scheme 2023. Collection method: clinical testing. Allele origin: germline. Not counted in ClinVar's aggregate classification.

Genome Diagnostics Laboratory, University Medical Center Utrecht
Classification: Benign for Breast-ovarian cancer, familial, susceptibility to, 2. Last evaluated: 2014-10-09. Review status: criteria provided, single submitter. Criteria: ACGS Guidelines, 2013. Collection method: clinical testing. Allele origin: germline. Affected: yes. Study: VKGL Data-share Consensus. Not counted in ClinVar's aggregate classification.

Breakthrough Genomics
Classification: Benign. Review status: criteria provided, single submitter. Criteria: ACMG Guidelines, 2015. Collection method: not provided. Allele origin: germline. Inheritance: Autosomal recessive inheritance. Affected: yes. Not counted in ClinVar's aggregate classification.

Clinical Genetics Laboratory, Department of Pathology, Netherlands Cancer Institute
Classification: Benign. Review status: no assertion criteria provided. Collection method: clinical testing. Allele origin: germline. Affected: yes. Study: VKGL Data-share Consensus. Not counted in ClinVar's aggregate classification.